The following is an entry in ClinVar:

ClinVar aggregate classification (germline): Uncertain significance (1 of 4 stars; one submission).

Conditions:
Luscan-Lumish syndrome. Identifiers: Orphanet 597738, MedGen C4085873, MONDO:0014791, OMIM 616831.

Allele frequency attached by ClinVar (database versions not stated): ExAC 0.00002.
gnomAD v4.1: 4 of 1,610,180 alleles (0.00025%); highest among the groups gnomAD compares: Admixed American, 0.0067%; no homozygotes.

Submission:

Labcorp Genetics (formerly Invitae), Labcorp
Classification: Uncertain significance for Luscan-Lumish syndrome. Last evaluated: 2024-01-08. Review status: criteria provided, single submitter. Criteria: Invitae Variant Classification Sherloc (09022015). Collection method: clinical testing. Allele origin: germline.
Comment: This sequence change replaces glutamic acid, which is acidic and polar, with aspartic acid, which is acidic and polar, at codon 1081 of the SETD2 protein (p.Glu1081Asp). This variant is present in population databases (rs766309787, gnomAD 0.01%). This variant has not been reported in the literature in individuals affected with SETD2-related conditions. ClinVar contains an entry for this variant (Variation ID: 2145354). Advanced modeling of protein sequence and biophysical properties (such as structural, functional, and spatial information, amino acid conservation, physicochemical variation, residue mobility, and thermodynamic stability) performed at Invitae indicates that this missense variant is not expected to disrupt SETD2 protein function with a negative predictive value of 80%. In summary, the available evidence is currently insufficient to determine the role of this variant in disease. Therefore, it has been classified as a Variant of Uncertain Significance.

NM_014159.7(SETD2):c.3243A>C (p.Glu1081Asp)

Gene: SETD2 (SET domain containing 2, histone lysine methyltransferase; minus strand). Cytogenetic location: 3p21.31.
Variant type: single nucleotide variant.
Coding change: c.3243A>C on transcript NM_014159.7 (MANE Select); coding-DNA position 3243, A replaced by C.
Protein change: p.Glu1081Asp; replaces glutamic acid 1081 with aspartic acid.
Molecular consequence: missense variant. On other transcripts: non-coding transcript variant (1).
Genome position (GRCh38, 1-based): chr3:47,121,393, T>G on the plus strand (A>C on the coding strand, the complement: SETD2 is on the minus strand). VCF-style: chr3-47121393-T-G. GRCh37 (hg19) VCF-style: chr3-47162883-T-G.
Other names: c.3111A>C, p.Glu1037Asp (NM_001349370.3); short protein forms E1037D, E1081D.
Identifiers: ClinVar variation 2145354 (VCV002145354.4), dbSNP rs766309787, ClinGen allele CA2363420.